The following is an entry in ClinVar:

ClinVar aggregate classification (germline): Likely benign (0 of 4 stars; one submission).

Conditions:
RTN4R-related disorder. Also called: RTN4R-related condition.

Allele frequency attached by ClinVar (database versions not stated): ExAC 0.00017; gnomAD 0.00034; TOPMed 0.00040; ESP Exome Variant Server 0.00046; 1000 Genomes Project 30x 0.00047; 1000 Genomes Project 0.00060.
gnomAD v4.1: 198 of 1,611,460 alleles (0.012%); highest among the groups gnomAD compares: African/African-American, 0.13%; no homozygotes.

Submission:

PreventionGenetics, part of Exact Sciences
Classification: Likely benign for RTN4R-related condition. Last evaluated: 2020-03-03. Review status: no assertion criteria provided. Collection method: clinical testing. Allele origin: germline.
Comment: This variant is classified as likely benign based on ACMG/AMP sequence variant interpretation guidelines (Richards et al. 2015 PMID: 25741868, with internal and published modifications).

NM_023004.6(RTN4R):c.1116C>T (p.Asn372=)

Gene: RTN4R (reticulon 4 receptor; minus strand). Cytogenetic location: 22q11.21.
Variant type: single nucleotide variant.
Coding change: c.1116C>T on transcript NM_023004.6 (MANE Select); coding-DNA position 1116, C replaced by T.
Protein change: p.Asn372=; no amino-acid change (asparagine 372 retained).
Molecular consequence: synonymous variant.
Genome position (GRCh38, 1-based): chr22:20,242,017, G>A on the plus strand (C>T on the coding strand, the complement: RTN4R is on the minus strand). VCF-style: chr22-20242017-G-A. GRCh37 (hg19) VCF-style: chr22-20229540-G-A.
Identifiers: ClinVar variation 3057784 (VCV003057784.2), dbSNP rs144464748, ClinGen allele CA10109437.
Genomic context (GRCh38, chr22:20,242,017, plus strand): 5'-CTCAGCAGAGCCAGGCAGAGTCCCAAAGGGTGAGTCATTGATGTGCCGTGGGCCAGAGCC[G>A]TTGCCCGGCGGGCTGTCACCGGGCGGCACGCGTCCCTTCAGCGCATTGCCTGCCGAAGCT-3'
Protein context (NP_075380.1, residues 362-382): RVPPGDSPPG[Asn372=]GSGPRHINDS